The following is an entry in ClinVar:

NM_002471.4(MYH6):c.1703G>A (p.Arg568His)

Gene: MYH6 (myosin heavy chain 6; minus strand). Cytogenetic location: 14q11.2.
Variant type: single nucleotide variant.
Coding change: c.1703G>A on transcript NM_002471.4 (MANE Select); coding-DNA position 1703, G replaced by A.
Protein change: p.Arg568His; replaces arginine 568 with histidine.
Molecular consequence: missense variant.
Genome position (GRCh38, 1-based): chr14:23,398,916, C>T on the plus strand (G>A on the coding strand, the complement: MYH6 is on the minus strand). VCF-style: chr14-23398916-C-T. GRCh37 (hg19) VCF-style: chr14-23868125-C-T.
Other names: short protein forms R568H.
Identifiers: ClinVar variation 661821 (VCV000661821.19), dbSNP rs376291577, ClinGen allele CA7115725.

ClinVar aggregate classification (germline): Uncertain significance. Review status: criteria provided, multiple submitters, no conflicts (2 of 4 stars). 5 submissions from 5 submitters: Uncertain significance (5). Last evaluated 2026-03-20.

Conditions:
MYH6-related disorder. Also called: MYH6-related condition; MYH6-Related Disorders.
Hypertrophic cardiomyopathy 14. Identifiers: MedGen C2750467, MONDO:0013197, OMIM 613251.
Cardiovascular phenotype. Identifiers: MedGen CN230736.

Allele frequency attached by ClinVar (database versions not stated): gnomAD exomes 0.00001 and 0.00004; ExAC 0.00003; gnomAD 0.00004 and 0.00005; TOPMed 0.00006; ESP Exome Variant Server 0.00008.
gnomAD v4.1: 17 of 1,613,950 alleles (0.0011%); highest among the groups gnomAD compares: African/African-American, 0.0094%; no homozygotes.

Submissions (5):

PreventionGenetics, part of Exact Sciences
Classification: Uncertain significance for MYH6-related condition. Last evaluated: 2026-03-20. Review status: criteria provided, single submitter. Criteria: ACMG Guidelines, 2015. Collection method: clinical testing. Allele origin: germline.
Comment: The MYH6 c.1703G>A variant is predicted to result in the amino acid substitution p.Arg568His. To our knowledge, this variant has not been reported in the literature. This variant is reported in 0.0080% of alleles in individuals of African descent in gnomAD. An alternate variant at the same amino acid position (p.Arg568Cys) has been reported in individuals with dilated cardiomyopathy, peripartum cardiomyopathy, and left ventricular noncompaction, but was also observed in the general population (see for example: Hershberger et al. 2010. PubMed ID: 20215591; Morales et al. 2010. PubMed ID: 20458009; Table S5, Chami et al. 2014. PubMed ID: 25448463; Table S2, Mazzarotto et al. 2021. PubMed ID: 33500567; Andreasen et al. 2013. PubMed ID: 23299917). At this time, the clinical significance of the p.Arg568His variant is uncertain due to the absence of conclusive functional and genetic evidence.

Labcorp Genetics (formerly Invitae), Labcorp
Classification: Uncertain significance for Hypertrophic cardiomyopathy 14. Last evaluated: 2025-07-23. Review status: criteria provided, single submitter. Criteria: Invitae Variant Classification Sherloc (09022015). Collection method: clinical testing. Allele origin: germline.
Comment: This sequence change replaces arginine, which is basic and polar, with histidine, which is basic and polar, at codon 568 of the MYH6 protein (p.Arg568His). This variant is present in population databases (rs376291577, gnomAD 0.008%). This variant has not been reported in the literature in individuals affected with MYH6-related conditions. ClinVar contains an entry for this variant (Variation ID: 661821). Invitae Evidence Modeling of protein sequence and biophysical properties (such as structural, functional, and spatial information, amino acid conservation, physicochemical variation, residue mobility, and thermodynamic stability) indicates that this missense variant is not expected to disrupt MYH6 protein function with a negative predictive value of 80%. In summary, the available evidence is currently insufficient to determine the role of this variant in disease. Therefore, it has been classified as a Variant of Uncertain Significance.

Women's Health and Genetics/Laboratory Corporation of America, LabCorp
Classification: Uncertain significance. Last evaluated: 2025-06-09. Review status: criteria provided, single submitter. Criteria: LabCorp Variant Classification Summary - May 2015. Collection method: clinical testing. Allele origin: germline.
Comment: Variant summary: MYH6 c.1703G>A (p.Arg568His) results in a non-conservative amino acid change in the encoded protein sequence. Algorithms developed to predict the effect of missense changes on protein structure and function are either unavailable or do not agree on the potential impact of this missense change. The variant allele was found at a frequency of 3.6e-05 in 251450 control chromosomes. The available data on variant occurrences in the general population are insufficient to allow any conclusion about variant significance. To our knowledge, no occurrence of c.1703G>A in individuals affected with Cardiomyopathy and no experimental evidence demonstrating its impact on protein function have been reported. ClinVar contains an entry for this variant (Variation ID: 661821). Based on the evidence outlined above, the variant was classified as uncertain significance.

Ambry Genetics
Classification: Uncertain significance for Cardiovascular phenotype. Last evaluated: 2025-02-07. Review status: criteria provided, single submitter. Criteria: Ambry Variant Classification Scheme 2023. Collection method: clinical testing. Allele origin: germline.

ARUP Laboratories, Molecular Genetics and Genomics, ARUP Laboratories
Classification: Uncertain significance. Last evaluated: 2019-05-23. Review status: criteria provided, single submitter. Criteria: ARUP Molecular Germline Variant Investigation Process. Collection method: clinical testing. Allele origin: germline.
Comment: The MYH6 c.1703G>A; p.Arg568His variant (rs376291577), to our knowledge, is not reported in the medical literature or gene-specific databases. This variant is found in the general population with a low overall allele frequency of 0.004% (10/282832 alleles) in the Genome Aggregation Database. The arginine at codon 568 is highly conserved, and computational analyses (SIFT, PolyPhen-2) predict that this variant is deleterious. Additionally, another missense variant at the same residue (p.Arg568Cys) has been described in an individual with dilated cardiomyopathy (Hershberger 2010), although its clinical significance remains uncertain. Given the lack of clinical and functional data, the significance of the p.Arg568His variant is uncertain at this time. References: Hershberger RE et al. Coding sequence rare variants identified in MYBPC3, MYH6, TPM1, TNNC1, and TNNI3 from 312 patients with familial or idiopathic dilated cardiomyopathy. Circ Cardiovasc Genet. 2010 Apr;3(2):155-61.